The following is an entry in ClinVar:

NM_019892.6(INPP5E):c.1312G>C (p.Asp438His)

Gene: INPP5E (inositol polyphosphate-5-phosphatase E; minus strand). Cytogenetic location: 9q34.3.
Variant type: single nucleotide variant.
Coding change: c.1312G>C on transcript NM_019892.6 (MANE Select); coding-DNA position 1312, G replaced by C.
Protein change: p.Asp438His; replaces aspartic acid 438 with histidine.
Molecular consequence: missense variant.
Genome position (GRCh38, 1-based): chr9:136,432,554, C>G on the plus strand (G>C on the coding strand, the complement: INPP5E is on the minus strand). VCF-style: chr9-136432554-C-G. GRCh37 (hg19) VCF-style: chr9-139327006-C-G.
Other names: c.1309G>C, p.Asp437His (NM_001318502.2); short protein forms D437H, D438H.
Identifiers: ClinVar variation 931224 (VCV000931224.3), dbSNP rs1835733198, ClinGen allele CA375563547.
Genomic context (GRCh38, chr9:136,432,554, plus strand): 5'-AGGGGTTGGTGTCGGGCACATTTCTGGGCAGGACCAGGGCTTGTACAGTCCTGGTGTAGT[C>G]CAGCAGCCGCTCCGCCACCTTCCCGTCACCTGCTGTGGGAACAGAAATGGGGTAGGGACC-3'
Protein context (NP_063945.2, residues 428-448): GDGKVAERLL[Asp438His]YTRTVQALVL

ClinVar aggregate classification (germline): Uncertain significance (1 of 4 stars; one submission).

Conditions:
Joubert syndrome 1 (JBTS1). Also called: Cerebellooculorenal syndrome 1; CEREBELLOPARENCHYMAL DISORDER IV. Identifiers: MedGen C4551568, MONDO:0008944, OMIM 213300.

gnomAD v4.1: 3 of 1,550,390 alleles (0.00019%); highest among the groups gnomAD compares: Non-Finnish European, 0.00026%; no homozygotes.

Submission:

Centre for Mendelian Genomics, University Medical Centre Ljubljana
Classification: Uncertain significance for Joubert syndrome 1. Last evaluated: 2018-10-29. Review status: criteria provided, single submitter. Criteria: ACMG Guidelines, 2015. Collection method: clinical testing. Allele origin: unknown. Affected: yes.
Comment: This variant was classified as: Uncertain significance. The available evidence on this variant's pathogenicity is insufficient or conflicting. The following ACMG criteria were applied in classifying this variant: PM2,PP4.